The following is an entry in ClinVar:

NM_001048174.2(MUTYH):c.-6-8del

Gene: MUTYH (mutY DNA glycosylase; minus strand). Cytogenetic location: 1p34.1.
Variant type: Deletion.
Coding change: c.-6-8del on transcript NM_001048174.2 (MANE Select); 8 bases into the intron before 6 bases upstream of the start codon, one base deleted (T; older notation c.-6-8delT).
Molecular consequence: intron variant.
Genome position (GRCh38, 1-based): chr1:45,334,519, A deleted on the plus strand (T on the coding strand, the reverse complement: MUTYH is on the minus strand); the first of 5 consecutive A bases (chr1:45,334,519-45,334,523); deleting any one gives the same sequence. VCF-style (leftmost placement, unchanged base first): chr1-45334518-CA-C. GRCh37 (hg19) VCF-style: chr1-45800190-CA-C.
Other names: c.-6-8del (NM_001407072.1, NM_001048171.2, NM_001407070.1 and 15 more transcripts); c.-213-8del (NM_001350651.2, NM_001407082.1); c.-218-8del (NM_001293192.2, NM_001293196.2, NM_001407091.1); c.-277-8del (NM_001350650.2); c.37-8del (NM_001407073.1, NM_001293190.2, NM_001407069.1 and 3 more transcripts); c.-162-8del (NM_001407075.1); c.13-8del (NM_001407087.1).
Identifiers: ClinVar variation 3387087 (VCV003387087.2).

ClinVar aggregate classification (germline): Conflicting classifications of pathogenicity. Review status: criteria provided, conflicting classifications (1 of 4 stars). 2 submissions from 2 submitters: Uncertain significance (1); Likely benign (1). Last evaluated 2024-02-22.

Conditions:
Familial adenomatous polyposis 2. Also called: MUTYH Polyposis; COLORECTAL ADENOMATOUS POLYPOSIS, AUTOSOMAL RECESSIVE; ADENOMAS, MULTIPLE COLORECTAL, AUTOSOMAL RECESSIVE; MYH-associated polyposis; MUTYH-associated polyposis; MUTYH-related attenuated familial adenomatous polyposis. Identifiers: Orphanet 220460, Orphanet 247798, MedGen C3272841, MONDO:0012041, OMIM 608456.
Familial cancer of breast. Also called: BREAST CANCER, FAMILIAL; Hereditary breast cancer; hereditary breast carcinoma. Identifiers: Orphanet 227535, MedGen C0346153, MONDO:0016419, OMIM 114480. Disease mechanism: loss of function.

Submissions (2):

All of Us Research Program, National Institutes of Health
Classification: Likely benign for Familial adenomatous polyposis 2. Last evaluated: 2024-02-22. Review status: criteria provided, single submitter. Criteria: ACMG Guidelines, 2015. Collection method: clinical testing. Allele origin: germline. Inheritance: Autosomal recessive inheritance. Observed: 1 variant allele, 1 heterozygote.
Comment: This study involves interpretation of variants in research participants for the purpose of population health screening. Participant phenotype was not available at the time of variant classification. Additional details can be found in publication PMID: 35346344, PMCID: PMC8962531

Department of Pathology and Laboratory Medicine, Sinai Health System
Classification: Uncertain significance for hereditary breast carcinoma. Last evaluated: 2019-11-01. Review status: criteria provided, single submitter. Criteria: ACMG Guidelines, 2015. Collection method: clinical testing. Allele origin: germline. Affected: yes.